The following is an entry in ClinVar:

ClinVar aggregate classification (germline): Uncertain significance (1 of 4 stars; one submission).

Conditions:
Familial hypercholesterolemia. Also called: Familial hypercholesterolaemia. Identifiers: MedGen C0020445, MONDO:0005439.

gnomAD v4.1: 2 of 1,613,928 alleles (0.00012%); highest among the groups gnomAD compares: Non-Finnish European, 0.00017%; no homozygotes.

Submission:

Color Diagnostics, LLC DBA Color Health
Classification: Uncertain significance for Familial hypercholesterolemia. Last evaluated: 2025-06-09. Review status: criteria provided, single submitter. Criteria: ACMG Guidelines, 2015. Collection method: clinical testing. Allele origin: germline.
Comment: This missense variant replaces valine with methionine at codon 208 of the PCSK9 protein. Computational prediction is inconclusive regarding the impact of this variant on protein structure and function. To our knowledge, functional studies have not been reported for this variant. This variant has not been reported in individuals affected with PCSK9-related disorders in the literature. This variant has been identified in 1/251264 chromosomes in the general population by the Genome Aggregation Database (gnomAD). The available evidence is insufficient to determine the role of this variant in disease conclusively. Therefore, this variant is classified as a Variant of Uncertain Significance.

NM_174936.4(PCSK9):c.622G>A (p.Val208Met)

Gene: PCSK9 (proprotein convertase subtilisin/kexin type 9; plus strand). Cytogenetic location: 1p32.3.
Variant type: single nucleotide variant.
Coding change: c.622G>A on transcript NM_174936.4 (MANE Select); coding-DNA position 622, G replaced by A.
Protein change: p.Val208Met; replaces valine 208 with methionine.
Molecular consequence: missense variant. On other transcripts: non-coding transcript variant (8).
Genome position (GRCh38, 1-based): chr1:55,052,376, G>A. VCF-style: chr1-55052376-G-A. GRCh37 (hg19) VCF-style: chr1-55518049-G-A.
Other names: c.745G>A, p.Val249Met (NM_001407240.1); c.622G>A, p.Val208Met (NM_001407241.1, NM_001407242.1, NM_001407244.1 and 1 more transcripts); c.565G>A, p.Val189Met (NM_001407243.1); c.430G>A, p.Val144Met (NM_001407245.1); c.247G>A, p.Val83Met (NM_001407246.1); short protein forms V144M, V189M, V208M, V249M, V83M.
Identifiers: ClinVar variation 4758719 (VCV004758719.1).
Genomic context (GRCh38, chr1:55,052,376, plus strand): 5'-AGCATACAGAGTGACCACCGGGAAATCGAGGGCAGGGTCATGGTCACCGACTTCGAGAAT[G>A]TGCCCGAGGAGGACGGGACCCGCTTCCACAGACAGGTAAGCACGGCCGTCTGATGGGAGG-3'
Protein context (NP_777596.2, residues 198-218): GRVMVTDFEN[Val208Met]PEEDGTRFHR